The following is an entry in ClinVar:

NM_001164277.2(SLC37A4):c.149G>A (p.Gly50Glu)

Gene: SLC37A4 (solute carrier family 37 member 4; minus strand). Cytogenetic location: 11q23.3.
Variant type: single nucleotide variant.
Coding change: c.149G>A on transcript NM_001164277.2 (MANE Select); coding-DNA position 149, G replaced by A.
Protein change: p.Gly50Glu; replaces glycine 50 with glutamic acid.
Molecular consequence: missense variant. On other transcripts: 5 prime UTR variant (1).
Genome position (GRCh38, 1-based): chr11:119,028,426, C>T on the plus strand (G>A on the coding strand, the complement: SLC37A4 is on the minus strand). VCF-style: chr11-119028426-C-T. GRCh37 (hg19) VCF-style: chr11-118899136-C-T.
Other names: c.149G>A, p.Gly50Glu (NM_001164278.2, NM_001164280.2, NM_001467.6); c.-71G>A (NM_001164279.2); short protein forms G50E.
Identifiers: ClinVar variation 68272 (VCV000068272.14), dbSNP rs193302877, ClinGen allele CA219291.
Genomic context (GRCh38, chr11:119,028,426, plus strand): 5'-AGCACCCCACTGACAAACTTGCTGATAGCATAAGCTGCCGACTGGCTGCTGGTGATGAAC[C>T]CTGCAGGGAACATTACACTTAGGGGTTAGGGACCAGGGGAGAAACACAGGAGCAATGAAA-3'
Protein context (NP_001157749.1, residues 40-60): EEIPLDKDDL[Gly50Glu]FITSSQSAAY

ClinVar aggregate classification (germline): Conflicting classifications of pathogenicity. Review status: criteria provided, conflicting classifications (1 of 4 stars). 7 submissions from 7 submitters: Likely pathogenic (1); Uncertain significance (5). 1 of the submissions does not count toward it. Last evaluated 2026-03-25.

Conditions:
Glucose-6-phosphate transport defect (GSD1B). Also called: Glycogen Storage Disease Type Ib; GSD Ib. Identifiers: Orphanet 364, Orphanet 79259, MedGen C0268146, MONDO:0009288, OMIM 232220.
Congenital disorder of glycosylation, type IIw. Identifiers: MedGen C5561986, MONDO:0030437, OMIM 619525.
Phosphate transport defect (GSD1C). Also called: GLYCOGEN STORAGE DISEASE Ic; GSD Ic. Identifiers: Orphanet 364, Orphanet 79259, MedGen C0342749, OMIM 232240.
Glycogen storage disease, type I. Identifiers: Orphanet 364, MedGen C0017920, MONDO:0002413.

Allele frequency attached by ClinVar (database versions not stated): gnomAD 0.00001; ExAC 0.00003; 1000 Genomes Project 30x 0.00016; 1000 Genomes Project 0.00020.

Submissions (7):

Myriad Genetics, Inc.
Classification: Uncertain significance for Glycogen storage disease, type I. Last evaluated: 2026-03-25. Review status: criteria provided, single submitter. Criteria: Myriad Autosomal Dominant, Autosomal Recessive and X-Linked Classification Criteria (2023). Collection method: clinical testing. Allele origin: unknown.
Comment: NM_001164277.1(SLC37A4):c.149G>A(G50E) is a missense variant classified as a variant of uncertain significance in the context of glycogen storage disease type Ib. G50E has been observed in cases with relevant disease (PMID: 28224773, 21629566, Bindi_2021_(Article)). Relevant functional assessments of this variant are not available in the literature. G50E has been observed in referenced population frequency databases. In summary, there is insufficient evidence to classify NM_001164277.1(SLC37A4):c.149G>A(G50E) as pathogenic or benign. Please note: this variant was assessed in the context of healthy population screening.

GeneDx
Classification: Likely pathogenic. Last evaluated: 2025-06-06. Review status: criteria provided, single submitter. Criteria: GeneDx Variant Classification Process June 2021. Collection method: clinical testing. Allele origin: germline. Affected: yes.
Comment: Not observed at significant frequency in large population cohorts (gnomAD); In silico analysis supports that this missense variant has a deleterious effect on protein structure/function; In silico analysis is inconclusive as to whether the variant alters gene splicing. In the absence of RNA/functional studies, the actual effect of this sequence change is unknown.; This variant is associated with the following publications: (PMID: 38087503, 21629566, 28224773)

Labcorp Genetics (formerly Invitae), Labcorp
Classification: Uncertain significance for Glucose-6-phosphate transport defect. Last evaluated: 2023-12-09. Review status: criteria provided, single submitter. Criteria: Invitae Variant Classification Sherloc (09022015). Collection method: clinical testing. Allele origin: germline.
Comment: This sequence change replaces glycine, which is neutral and non-polar, with glutamic acid, which is acidic and polar, at codon 50 of the SLC37A4 protein (p.Gly50Glu). This variant is present in population databases (rs193302877, gnomAD 0.004%). This missense change has been observed in individuals with glycogen storage disease type Ib (PMID: 21629566, 28224733, 28224773; Invitae). ClinVar contains an entry for this variant (Variation ID: 68272). Experimental studies and prediction algorithms are not available or were not evaluated, and the functional significance of this variant is currently unknown. This variant disrupts the p.Gly50 amino acid residue in SLC37A4. Other variant(s) that disrupt this residue have been observed in individuals with SLC37A4-related conditions (PMID: 21629566, 28224773; Invitae), which suggests that this may be a clinically significant amino acid residue. In summary, the available evidence is currently insufficient to determine the role of this variant in disease. Therefore, it has been classified as a Variant of Uncertain Significance.

Fulgent Genetics
Classification: Uncertain significance for Glucose-6-phosphate transport defect; Phosphate transport defect; Congenital disorder of glycosylation, type IIw. Last evaluated: 2022-02-13. Review status: criteria provided, single submitter. Criteria: ACMG Guidelines, 2015. Collection method: clinical testing. Allele origin: unknown.

Eurofins Ntd Llc (ga)
Classification: Uncertain significance. Last evaluated: 2018-01-25. Review status: criteria provided, single submitter. Criteria: EGL Classification Definitions 2015. Collection method: clinical testing. Allele origin: germline. Observed: 1 variant allele, 1 heterozygote.

Breakthrough Genomics
Classification: Uncertain significance. Review status: criteria provided, single submitter. Criteria: ACMG Guidelines, 2015. Collection method: not provided. Allele origin: germline. Inheritance: Autosomal recessive inheritance. Affected: yes.

UniProtKB/Swiss-Prot
No classification provided. Review status: no classification provided. Collection method: not provided. Allele origin: germline. Not counted in ClinVar's aggregate classification.

Literature cited by the submitters: PubMed 21629566 (cited by Labcorp Genetics (formerly Invitae), Labcorp); PubMed 28224733 (cited by Labcorp Genetics (formerly Invitae), Labcorp); PubMed 28224773 (cited by Labcorp Genetics (formerly Invitae), Labcorp).